The following is an entry in ClinVar:

NM_005378.6(MYCN):c.509G>C (p.Arg170Pro)

Gene: MYCN (MYCN proto-oncogene, bHLH transcription factor; plus strand). Cytogenetic location: 2p24.3.
Variant type: single nucleotide variant.
Coding change: c.509G>C on transcript NM_005378.6 (MANE Select); coding-DNA position 509, G replaced by C.
Protein change: p.Arg170Pro; replaces arginine 170 with proline.
Molecular consequence: missense variant. On other transcripts: 3 prime UTR variant (1), intron variant (1).
Genome position (GRCh38, 1-based): chr2:15,942,573, G>C. VCF-style: chr2-15942573-G-C. GRCh37 (hg19) VCF-style: chr2-16082695-G-C.
Other names: c.509G>C (NM_005378.4); c.509G>C, p.Arg170Pro (NM_001293228.2); c.*444G>C (NM_001293233.2); c.157+1830G>C (NM_001293231.2); short protein forms R170P.
Identifiers: ClinVar variation 2190180 (VCV002190180.9), dbSNP rs1019033224, ClinGen allele CA43192124.

ClinVar aggregate classification (germline): Conflicting classifications of pathogenicity. Review status: criteria provided, conflicting classifications (1 of 4 stars). 4 submissions from 4 submitters: Uncertain significance (3); Likely benign (1). Last evaluated 2026-05-07.

Conditions:
Inborn genetic diseases. Identifiers: MedGen C0950123, MeSH D030342.

Allele frequency attached by ClinVar (database versions not stated): gnomAD 0.00003; TOPMed 0.00003; 1000 Genomes Project 30x 0.00016.
gnomAD v4.1: 27 of 1,086,130 alleles (0.0025%); highest among the groups gnomAD compares: East Asian, 0.038%; no homozygotes.

Submissions (4):

Women's Health and Genetics/Laboratory Corporation of America, LabCorp
Classification: Uncertain significance. Last evaluated: 2026-05-07. Review status: criteria provided, single submitter. Criteria: LabCorp Variant Classification Summary - May 2015. Collection method: clinical testing. Allele origin: germline.
Comment: Variant summary: MYCN c.509G>C (p.Arg170Pro) results in a non-conservative amino acid change in the encoded protein sequence. Algorithms developed to predict the effect of missense changes on protein structure and function are either unavailable or do not agree on the potential impact of this missense change. The variant was absent in 25836 control chromosomes. The available data on variant occurrences in the general population are insufficient to allow any conclusion about variant significance. To our knowledge, no occurrence of c.509G>C in individuals affected with MYCN-related conditions and no experimental evidence demonstrating its impact on protein function have been reported. ClinVar contains an entry for this variant (Variation ID: 2190180). Based on the evidence outlined above, the variant was classified as uncertain significance.

Labcorp Genetics (formerly Invitae), Labcorp
Classification: Uncertain significance. Last evaluated: 2026-02-01. Review status: criteria provided, single submitter. Criteria: Invitae Variant Classification Sherloc (09022015). Collection method: clinical testing. Allele origin: germline.
Comment: This sequence change replaces arginine, which is basic and polar, with proline, which is neutral and non-polar, at codon 170 of the MYCN protein (p.Arg170Pro). The frequency data for this variant in the population databases is considered unreliable, as metrics indicate insufficient coverage at this position in the gnomAD database. This variant has not been reported in the literature in individuals affected with MYCN-related conditions. ClinVar contains an entry for this variant (Variation ID: 2190180). Invitae Evidence Modeling of protein sequence and biophysical properties (such as structural, functional, and spatial information, amino acid conservation, physicochemical variation, residue mobility, and thermodynamic stability) indicates that this missense variant is not expected to disrupt MYCN protein function with a negative predictive value of 95%. In summary, the available evidence is currently insufficient to determine the role of this variant in disease. Therefore, it has been classified as a Variant of Uncertain Significance.

Ambry Genetics
Classification: Uncertain significance for Inborn genetic diseases. Last evaluated: 2025-07-13. Review status: criteria provided, single submitter. Criteria: Ambry Variant Classification Scheme 2023. Collection method: clinical testing. Allele origin: germline.

Blueprint Genetics
Classification: Likely benign. Last evaluated: 2024-03-19. Review status: criteria provided, single submitter. Criteria: ACMG Guidelines, 2015. Collection method: clinical testing. Allele origin: germline.